The following is an entry in ClinVar:

ClinVar aggregate classification (germline): Uncertain significance (1 of 4 stars; one submission).

Conditions:
MCTP2-related disorder. Also called: MCTP2-related condition.

Submission:

PreventionGenetics, part of Exact Sciences
Classification: Uncertain significance for MCTP2-related condition. Last evaluated: 2022-12-02. Review status: criteria provided, single submitter. Criteria: ACMG Guidelines, 2015. Collection method: clinical testing. Allele origin: germline.
Comment: The MCTP2 c.725G>A variant is predicted to result in premature protein termination (p.Trp242*). To our knowledge, this variant has not been reported in the literature or in a large population database, indicating this variant is rare. At this time, the clinical significance of this variant is uncertain due to the absence of conclusive functional and genetic evidence.

NM_001385001.1(MCTP2):c.725G>A (p.Trp242Ter)

Gene: MCTP2 (multiple C2 and transmembrane domain containing 2; plus strand). Cytogenetic location: 15q26.2.
Variant type: single nucleotide variant.
Coding change: c.725G>A on transcript NM_001385001.1 (MANE Select); coding-DNA position 725, G replaced by A.
Protein change: p.Trp242Ter; replaces tryptophan 242 with a stop codon.
Molecular consequence: nonsense. On other transcripts: non-coding transcript variant (7).
Genome position (GRCh38, 1-based): chr15:94,339,377, G>A. VCF-style: chr15-94339377-G-A. GRCh37 (hg19) VCF-style: chr15-94882606-G-A.
Other names: c.725G>A, p.Trp242Ter (NM_001159643.2, NM_001385002.1, NM_001385003.1 and 5 more transcripts); c.443G>A, p.Trp148Ter (NM_001385007.1, NM_001385011.1); c.227G>A, p.Trp76Ter (NM_001385009.1, NM_001385010.1); short protein forms W148*, W242*, W76*.
Identifiers: ClinVar variation 2635679 (VCV002635679.1), dbSNP rs2543891118, ClinGen allele CA393913074.